The following is an entry in ClinVar:

NM_001122630.2(CDKN1C):c.677C>T (p.Pro226Leu)

Gene: CDKN1C (cyclin dependent kinase inhibitor 1C; minus strand). Cytogenetic location: 11p15.4.
Variant type: single nucleotide variant.
Coding change: c.677C>T on transcript NM_001122630.2 (MANE Select); coding-DNA position 677, C replaced by T.
Protein change: p.Pro226Leu; replaces proline 226 with leucine.
Molecular consequence: missense variant. On other transcripts: intron variant (1).
Genome position (GRCh38, 1-based): chr11:2,884,780, G>A on the plus strand (C>T on the coding strand, the complement: CDKN1C is on the minus strand). VCF-style: chr11-2884780-G-A. GRCh37 (hg19) VCF-style: chr11-2906010-G-A.
Other names: c.710C>T, p.Pro237Leu (NM_000076.2, NM_001362474.2); c.677C>T, p.Pro226Leu (NM_001122631.2); c.255+422C>T (NM_001362475.2); short protein forms P226L, P237L.
Identifiers: ClinVar variation 938576 (VCV000938576.10), dbSNP rs1848923335, ClinGen allele CA379145760.
Genomic context (GRCh38, chr11:2,884,780, plus strand): 5'-GCGGCCGCGGTGCCGGCCGCGGGACGTCCCGAAATCCCCGAGTGCAGCTGGTCAGCGAGA[G>A]GCTCCTGGCCGCGCTGCCCCTGGTTCGCGCCCTGCTCGGCGCTCTCTTGAGGCGCCGCGT-3'
Protein context (NP_001116102.1, residues 216-236): GANQGQRGQE[Pro226Leu]LADQLHSGIS

ClinVar aggregate classification (germline): Uncertain significance. Review status: criteria provided, multiple submitters, no conflicts (2 of 4 stars). 2 submissions from 2 submitters: Uncertain significance (2). Last evaluated 2024-04-08.

Conditions:
Beckwith-Wiedemann syndrome (BWS). Also called: Exomphalos macroglossia gigantism syndrome; EMG SYNDROME. Identifiers: Orphanet 116, MedGen C0004903, MONDO:0007534, OMIM 130650.
Inborn genetic diseases. Identifiers: MedGen C0950123, MeSH D030342.

Allele frequency attached by ClinVar (database versions not stated): gnomAD exomes below 0.00001.

Submissions (2):

Ambry Genetics
Classification: Uncertain significance for Inborn genetic diseases. Last evaluated: 2024-04-08. Review status: criteria provided, single submitter. Criteria: Ambry Variant Classification Scheme 2023. Collection method: clinical testing. Allele origin: germline.

Labcorp Genetics (formerly Invitae), Labcorp
Classification: Uncertain significance for Beckwith-Wiedemann syndrome. Last evaluated: 2022-04-28. Review status: criteria provided, single submitter. Criteria: Invitae Variant Classification Sherloc (09022015). Collection method: clinical testing. Allele origin: germline.
Comment: ClinVar contains an entry for this variant (Variation ID: 938576). This variant has not been reported in the literature in individuals affected with CDKN1C-related conditions. This variant is not present in population databases (gnomAD no frequency). This sequence change replaces proline, which is neutral and non-polar, with leucine, which is neutral and non-polar, at codon 237 of the CDKN1C protein (p.Pro237Leu). In summary, the available evidence is currently insufficient to determine the role of this variant in disease. Therefore, it has been classified as a Variant of Uncertain Significance. Algorithms developed to predict the effect of missense changes on protein structure and function output the following: SIFT: "Tolerated"; PolyPhen-2: "Not Available"; Align-GVGD: "Class C0". The leucine amino acid residue is found in multiple mammalian species, which suggests that this missense change does not adversely affect protein function.